The following is an entry in ClinVar:

ClinVar aggregate classification (germline): Pathogenic (1 of 4 stars; one submission).

Conditions:
Cardiovascular phenotype. Identifiers: MedGen CN230736.
Hereditary cancer-predisposing syndrome. Also called: Hereditary Cancer Syndrome; Hereditary neoplastic syndrome; Neoplastic Syndromes, Hereditary; Tumor predisposition. Identifiers: Orphanet 140162, MedGen C0027672, MeSH D009386, MONDO:0015356.

Submission:

Ambry Genetics
Classification: Pathogenic for Cardiovascular phenotype; Hereditary cancer-predisposing syndrome. Last evaluated: 2017-10-10. Review status: criteria provided, single submitter. Criteria: Ambry Variant Classification Scheme 2023. Collection method: clinical testing. Allele origin: germline.
Comment: The c.5683dupG pathogenic mutation, located in coding exon 38 of the NF1 gene, results from a duplication of G at nucleotide position 5683, causing a translational frameshift with a predicted alternate stop codon (p.A1895Gfs*4). This alteration is expected to result in loss of function by premature protein truncation or nonsense-mediated mRNA decay. As such, this alteration is interpreted as a disease-causing mutation.

NM_001042492.3(NF1):c.5746dup (p.Ala1916fs)

Gene: NF1 (neurofibromin 1; plus strand). Cytogenetic location: 17q11.2.
Variant type: Duplication.
Coding change: c.5746dup on transcript NM_001042492.3 (MANE Select); coding-DNA position 5746, one base duplicated (G; older notation c.5746dupG).
Protein change: p.Ala1916fs; shifts the reading frame from alanine 1916.
Molecular consequence: frameshift variant.
Genome position (GRCh38, 1-based): chr17:31,330,432, G duplicated; the last of 2 consecutive G bases (chr17:31,330,431-31,330,432); duplicating either gives the same sequence. VCF-style (leftmost placement, unchanged base first): chr17-31330430-T-TG. GRCh37 (hg19) VCF-style: chr17-29657448-T-TG.
Other names: c.5683dupG (NM_000267.3); c.5683dup, p.Ala1895Glyfs (NM_000267.4); short protein forms A1895fs, A1916fs.
Identifiers: ClinVar variation 1749041 (VCV001749041.2), dbSNP rs2508719063, ClinGen allele CA2580093386.